The following is an entry in ClinVar:

NM_002485.5(NBN):c.944T>G (p.Ile315Ser)

Gene: NBN (nibrin; minus strand). Cytogenetic location: 8q21.3.
Variant type: single nucleotide variant.
Coding change: c.944T>G on transcript NM_002485.5 (MANE Select); coding-DNA position 944, T replaced by G.
Protein change: p.Ile315Ser; replaces isoleucine 315 with serine.
Molecular consequence: missense variant.
Genome position (GRCh38, 1-based): chr8:89,964,460, A>C on the plus strand (T>G on the coding strand, the complement: NBN is on the minus strand). VCF-style: chr8-89964460-A-C. GRCh37 (hg19) VCF-style: chr8-90976688-A-C.
Other names: c.698T>G, p.Ile233Ser (NM_001024688.3, NM_001440379.1, NM_001440380.1); short protein forms I233S, I315S.
Identifiers: ClinVar variation 4860759 (VCV004860759.1).

ClinVar aggregate classification (germline): Uncertain significance (1 of 4 stars; one submission).

Conditions:
Hereditary cancer-predisposing syndrome. Also called: Neoplastic Syndromes, Hereditary; Tumor predisposition; Hereditary Cancer Syndrome; Hereditary neoplastic syndrome. Identifiers: Orphanet 140162, MedGen C0027672, MeSH D009386, MONDO:0015356.

Submission:

Ambry Genetics
Classification: Uncertain significance for Hereditary cancer-predisposing syndrome. Last evaluated: 2026-05-22. Review status: criteria provided, single submitter. Criteria: Ambry Variant Classification Scheme 2023. Collection method: clinical testing. Allele origin: germline.
Comment: The p.I315S variant (also known as c.944T>G), located in coding exon 8 of the NBN gene, results from a T to G substitution at nucleotide position 944. The isoleucine at codon 315 is replaced by serine, an amino acid with dissimilar properties. This amino acid position is conserved. In addition, this alteration is predicted to be deleterious by in silico analysis. Based on the available evidence, the clinical significance of this variant remains unclear.